The following is an entry in ClinVar:

NM_002693.3(POLG):c.2474T>C (p.Val825Ala)

Gene: POLG (DNA polymerase gamma, catalytic subunit; minus strand). Cytogenetic location: 15q26.1.
Variant type: single nucleotide variant.
Coding change: c.2474T>C on transcript NM_002693.3 (MANE Select); coding-DNA position 2474, T replaced by C.
Protein change: p.Val825Ala; replaces valine 825 with alanine.
Molecular consequence: missense variant.
Genome position (GRCh38, 1-based): chr15:89,321,968, A>G on the plus strand (T>C on the coding strand, the complement: POLG is on the minus strand). VCF-style: chr15-89321968-A-G. GRCh37 (hg19) VCF-style: chr15-89865199-A-G.
Other names: p.V825A:GTG>GCG; c.2474T>C, p.Val825Ala (NM_001126131.2); short protein forms V825A.
Identifiers: ClinVar variation 206525 (VCV000206525.29), dbSNP rs763453929, ClinGen allele CA316695.

ClinVar aggregate classification (germline): Uncertain significance. Review status: criteria provided, multiple submitters, no conflicts (2 of 4 stars). 3 submissions from 3 submitters: Uncertain significance (3). Last evaluated 2024-05-05.

Conditions:
Progressive sclerosing poliodystrophy (MTDPS4A). Also called: Mitochondrial DNA depletion syndrome 4A (Alpers type); Mitochondrial DNA Depletion Syndrome 4A; ALPERS PROGRESSIVE INFANTILE POLIODYSTROPHY; Alpers-Huttenlocher Syndrome; Alpers Syndrome; ALPERS DIFFUSE DEGENERATION OF CEREBRAL GRAY MATTER WITH HEPATIC CIRRHOSIS. Identifiers: Orphanet 726, MedGen C0205710, MONDO:0008758, OMIM 203700.

Allele frequency attached by ClinVar (database versions not stated): ExAC 0.00001; gnomAD exomes 0.00001.
gnomAD v4.1: 5 of 1,614,126 alleles (0.00031%); highest among the groups gnomAD compares: Non-Finnish European, 0.00042%; no homozygotes.

Submissions (3):

Labcorp Genetics (formerly Invitae), Labcorp
Classification: Uncertain significance for Progressive sclerosing poliodystrophy. Last evaluated: 2024-05-05. Review status: criteria provided, single submitter. Criteria: Invitae Variant Classification Sherloc (09022015). Collection method: clinical testing. Allele origin: germline.
Comment: This sequence change replaces valine, which is neutral and non-polar, with alanine, which is neutral and non-polar, at codon 825 of the POLG protein (p.Val825Ala). This variant is present in population databases (rs763453929, gnomAD 0.003%). This variant has not been reported in the literature in individuals affected with POLG-related conditions. ClinVar contains an entry for this variant (Variation ID: 206525). Advanced modeling of protein sequence and biophysical properties (such as structural, functional, and spatial information, amino acid conservation, physicochemical variation, residue mobility, and thermodynamic stability) performed at Invitae indicates that this missense variant is expected to disrupt POLG protein function with a positive predictive value of 80%. In summary, the available evidence is currently insufficient to determine the role of this variant in disease. Therefore, it has been classified as a Variant of Uncertain Significance.

CeGaT Center for Human Genetics Tuebingen
Classification: Uncertain significance. Last evaluated: 2023-02-01. Review status: criteria provided, single submitter. Criteria: CeGaT Center For Human Genetics Tuebingen Variant Classification Criteria Version 2. Collection method: clinical testing. Allele origin: germline. Affected: yes. Observed: 1 variant allele.
Comment: POLG: PM2

GeneDx
Classification: Uncertain significance. Last evaluated: 2012-07-30. Review status: criteria provided, single submitter. Criteria: GeneDx Variant Classification (06012015). Collection method: clinical testing. Allele origin: germline. Affected: yes.
Comment: p.Val825Ala (GTG>GCG):c.2474 T>C in exon 15 of the POLG gene (NM_002693.2). The Val825Ala missense change has not been published as a mutation, nor has it been reported as a benign polymorphism to our knowledge. The NHLBI ESP Exome Variant Project has not identified Val825Ala in approximately 6,500 individuals of European or African American ethnicity, indicating that it is not a common benign variant in these populations. The amino acid substitution is conservative, as Valine and Alanine are both uncharged, non-polar amino acids. Val825Ala alters a conserved position in the polymerase domain of the protein where many missense mutations have been reported in association with POLG-related disorders. Some in silico algorithms predict it may be damaging to protein structure/function, while another model suggests it may not be pathogenic. Therefore, based on the currently available information, it is unclear whether Val825Ala is a disease-causing mutation or a rare benign variant. The variant is found in INFANT-EPI panel(s).